The following is an entry in ClinVar:

ClinVar aggregate classification (germline): Uncertain significance (1 of 4 stars; one submission).

Submission:

GeneDx
Classification: Uncertain significance. Last evaluated: 2024-05-08. Review status: criteria provided, single submitter. Criteria: GeneDx Variant Classification Process June 2021. Collection method: clinical testing. Allele origin: germline. Affected: yes.
Comment: Not observed at significant frequency in large population cohorts (gnomAD); In silico analysis supports that this missense variant has a deleterious effect on protein structure/function; Has not been previously published as pathogenic or benign to our knowledge

NM_001195553.2(DCX):c.443T>G (p.Val148Gly)

Gene: DCX (doublecortin; minus strand). Cytogenetic location: Xq23.
Variant type: single nucleotide variant.
Coding change: c.443T>G on transcript NM_001195553.2 (MANE Select); coding-DNA position 443, T replaced by G.
Protein change: p.Val148Gly; replaces valine 148 with glycine.
Molecular consequence: missense variant.
Genome position (GRCh38, 1-based): chrX:111,401,252, A>C on the plus strand (T>G on the coding strand, the complement: DCX is on the minus strand). VCF-style: chrX-111401252-A-C. GRCh37 (hg19) VCF-style: chrX-110644480-A-C.
Other names: c.686T>G, p.Val229Gly (NM_000555.3); c.443T>G, p.Val148Gly (NM_001369370.1, NM_001369371.1, NM_001369372.1 and 6 more transcripts); short protein forms V148G, V229G.
Identifiers: ClinVar variation 3376009 (VCV003376009.1).